The following is an entry in ClinVar:

ClinVar aggregate classification (germline): Uncertain significance (1 of 4 stars; one submission).

Conditions:
Fanconi anemia (FA). Also called: Fanconi's anemia. Identifiers: Orphanet 84, MedGen C0015625, MeSH D005199, MONDO:0019391.

Allele frequency attached by ClinVar (database versions not stated): gnomAD exomes below 0.00001.
gnomAD v4.1: 1 of 1,613,538 alleles (0.000062%); highest among the groups gnomAD compares: South Asian, 0.0011%; no homozygotes.

Submission:

Labcorp Genetics (formerly Invitae), Labcorp
Classification: Uncertain significance for Fanconi anemia. Last evaluated: 2022-04-29. Review status: criteria provided, single submitter. Criteria: Invitae Variant Classification Sherloc (09022015). Collection method: clinical testing. Allele origin: germline.
Comment: In summary, the available evidence is currently insufficient to determine the role of this variant in disease. Therefore, it has been classified as a Variant of Uncertain Significance. Algorithms developed to predict the effect of missense changes on protein structure and function (SIFT, PolyPhen-2, Align-GVGD) all suggest that this variant is likely to be tolerated. This variant has not been reported in the literature in individuals affected with FANCD2-related conditions. This variant is not present in population databases (gnomAD no frequency). This sequence change replaces aspartic acid, which is acidic and polar, with glycine, which is neutral and non-polar, at codon 168 of the FANCD2 protein (p.Asp168Gly).

NM_001018115.3(FANCD2):c.503A>G (p.Asp168Gly)

Genes: FANCD2 (FA complementation group D2; plus strand), LOC107303338 (3p25 FANCD2 Alu-mediated recombination region; plus strand). Cytogenetic location: 3p25.3.
Variant type: single nucleotide variant.
Coding change: c.503A>G on transcript NM_001018115.3 (MANE Select); coding-DNA position 503, A replaced by G.
Protein change: p.Asp168Gly; replaces aspartic acid 168 with glycine.
Molecular consequence: missense variant.
Genome position (GRCh38, 1-based): chr3:10,039,290, A>G. VCF-style: chr3-10039290-A-G. GRCh37 (hg19) VCF-style: chr3-10080974-A-G.
Other names: c.503A>G, p.Asp168Gly (NM_001319984.2, NM_001374253.1, NM_001374254.1 and 2 more transcripts); short protein forms D168G.
Identifiers: ClinVar variation 1944564 (VCV001944564.5), dbSNP rs2470736910, ClinGen allele CA351723562.